The following is an entry in ClinVar:

NM_004453.4(ETFDH):c.456_457del (p.Lys153fs)

Gene: ETFDH (electron transfer flavoprotein dehydrogenase; plus strand). Cytogenetic location: 4q32.1.
Variant type: Microsatellite.
Coding change: c.456_457del on transcript NM_004453.4 (MANE Select); coding-DNA positions 456 to 457, 2 bases deleted (GA; older notation c.456_457delGA).
Protein change: p.Lys153fs; shifts the reading frame from lysine 153.
Molecular consequence: frameshift variant.
Genome position (GRCh38, 1-based): chr4:158,684,642-158,684,643, GA deleted; deleting any 2 consecutive bases within chr4:158,684,639-158,684,643 gives the same sequence; the c. name uses the placement nearest the transcript's 3' end. VCF-style (leftmost placement, unchanged base first): chr4-158684638-CAG-C. GRCh37 (hg19) VCF-style: chr4-159605790-CAG-C.
Other names: c.315_316del, p.Lys106fs (NM_001281737.2); c.273_274del, p.Lys92fs (NM_001281738.1); short protein forms K153fs, K92fs, K106fs.
Identifiers: ClinVar variation 3700485 (VCV003700485.2).

ClinVar aggregate classification (germline): Pathogenic (1 of 4 stars; one submission).

Conditions:
Multiple acyl-CoA dehydrogenase deficiency (MADD). Also called: Glutaric aciduria, type 2; Glutaric acidemia type II; GA 2; Glutaric Acidemia type 2; ETHYLMALONIC-ADIPICACIDURIA; GA II. Identifiers: Orphanet 26791, MedGen C0268596, MONDO:0009282, OMIM 231680.

Submission:

Labcorp Genetics (formerly Invitae), Labcorp
Classification: Pathogenic for Multiple acyl-CoA dehydrogenase deficiency. Last evaluated: 2024-07-31. Review status: criteria provided, single submitter. Criteria: Invitae Variant Classification Sherloc (09022015). Collection method: clinical testing. Allele origin: germline.
Comment: This sequence change creates a premature translational stop signal (p.Lys153Ilefs*15) in the ETFDH gene. It is expected to result in an absent or disrupted protein product. Loss-of-function variants in ETFDH are known to be pathogenic (PMID: 16510302, 23785301). This variant is not present in population databases (gnomAD no frequency). This variant has not been reported in the literature in individuals affected with ETFDH-related conditions. For these reasons, this variant has been classified as Pathogenic.

Literature cited by the submitters: PubMed 16510302; PubMed 23785301.